The following is an entry in ClinVar:

ClinVar aggregate classification (germline): Uncertain significance (1 of 4 stars; one submission).

Conditions:
Epidermolysis bullosa simplex with nail dystrophy (EBS5D). Identifiers: MedGen C4225309, MONDO:0014661, OMIM 616487.
Epidermolysis bullosa simplex 5B, with muscular dystrophy (EBS5B). Also called: EPIDERMOLYSIS BULLOSA SIMPLEX AND LIMB-GIRDLE MUSCULAR DYSTROPHY; Epidermolysis bullosa simplex with muscular dystrophy. Identifiers: Orphanet 257, MedGen C2931072, MONDO:0009181, OMIM 226670.
Epidermolysis bullosa simplex 5C, with pyloric atresia (EBS5C). Also called: PLEC-Related Epidermolysis Bullosa with Pyloric Atresia; Epidermolysis bullosa simplex with pyloric atresia; PLEC1-Related Epidermolysis Bullosa with Pyloric Atresia. Identifiers: Orphanet 158684, MedGen C2677349, MONDO:0012807, OMIM 612138.
Autosomal recessive limb-girdle muscular dystrophy type 2Q (LGMDR17). Also called: MUSCULAR DYSTROPHY, LIMB-GIRDLE, AUTOSOMAL RECESSIVE 17. Identifiers: Orphanet 254361, MedGen C3150989, MONDO:0013390, OMIM 613723.
Epidermolysis bullosa simplex, Ogna type (EBS5A). Also called: Pidermolysis bullosa simplex 5A, Ogna type; EPIDERMOLYSIS BULLOSA SIMPLEX 5A, OGNA TYPE. Identifiers: Orphanet 79401, MedGen C0432317, MONDO:0007555, OMIM 131950.

Submission:

Labcorp Genetics (formerly Invitae), Labcorp
Classification: Uncertain significance for Autosomal recessive limb-girdle muscular dystrophy type 2Q; Epidermolysis bullosa simplex, Ogna type; Epidermolysis bullosa simplex with nail dystrophy; Epidermolysis bullosa simplex 5C, with pyloric atresia; Epidermolysis bullosa simplex 5B, with muscular dystrophy. Last evaluated: 2023-07-12. Review status: criteria provided, single submitter. Criteria: Invitae Variant Classification Sherloc (09022015). Collection method: clinical testing. Allele origin: germline.
Comment: This sequence change replaces glutamic acid, which is acidic and polar, with aspartic acid, which is acidic and polar, at codon 2569 of the PLEC protein (p.Glu2569Asp). This variant is not present in population databases (gnomAD no frequency). This variant has not been reported in the literature in individuals affected with PLEC-related conditions. Advanced modeling of protein sequence and biophysical properties (such as structural, functional, and spatial information, amino acid conservation, physicochemical variation, residue mobility, and thermodynamic stability) has been performed at Invitae for this missense variant, however the output from this modeling did not meet the statistical confidence thresholds required to predict the impact of this variant on PLEC protein function. In summary, the available evidence is currently insufficient to determine the role of this variant in disease. Therefore, it has been classified as a Variant of Uncertain Significance.

NM_201384.3(PLEC):c.7626G>T (p.Glu2542Asp)

Gene: PLEC (plectin; minus strand). Cytogenetic location: 8q24.3.
Variant type: single nucleotide variant.
Coding change: c.7626G>T on transcript NM_201384.3 (MANE Select); coding-DNA position 7626, G replaced by T.
Protein change: p.Glu2542Asp; replaces glutamic acid 2542 with aspartic acid.
Molecular consequence: missense variant.
Genome position (GRCh38, 1-based): chr8:143,922,195, C>A on the plus strand (G>T on the coding strand, the complement: PLEC is on the minus strand). VCF-style: chr8-143922195-C-A. GRCh37 (hg19) VCF-style: chr8-144996363-C-A.
Other names: c.7707G>T, p.Glu2569Asp (NM_000445.5); c.4326G>T, p.Glu1442Asp (NM_001410941.1); c.7584G>T, p.Glu2528Asp (NM_201378.4); c.7560G>T, p.Glu2520Asp (NM_201379.3); c.8037G>T, p.Glu2679Asp (NM_201380.4); c.7530G>T, p.Glu2510Asp (NM_201381.3); c.7626G>T, p.Glu2542Asp (NM_201382.4); c.7638G>T, p.Glu2546Asp (NM_201383.3); short protein forms E2528D, E2542D, E2569D, E2679D, E2510D, E2520D, E1442D, E2546D.
Identifiers: ClinVar variation 2929697 (VCV002929697.3), dbSNP rs781941795, ClinGen allele CA372523725.